The following is an entry in ClinVar:

NM_005570.4(LMAN1):c.764-11_764-10del

Gene: LMAN1 (lectin, mannose binding 1; minus strand). Cytogenetic location: 18q21.32.
Variant type: Deletion.
Coding change: c.764-11_764-10del on transcript NM_005570.4 (MANE Select); 11 bases into the intron before coding-DNA position 764 through 10 bases into the intron before coding-DNA position 764, 2 bases deleted (TT; older notation c.764-11_764-10delTT).
Molecular consequence: intron variant.
Genome position (GRCh38, 1-based): chr18:59,347,581-59,347,582, AA deleted on the plus strand (TT on the coding strand, the reverse complement: LMAN1 is on the minus strand); deleting any 2 consecutive bases within chr18:59,347,581-59,347,592 gives the same sequence; the c. name uses the placement nearest the transcript's 3' end. VCF-style (leftmost placement, unchanged base first): chr18-59347580-TAA-T. GRCh37 (hg19) VCF-style: chr18-57014812-TAA-T.
Identifiers: ClinVar variation 3044218 (VCV003044218.2), dbSNP rs367567750, ClinGen allele CA8979842.

ClinVar aggregate classification (germline): Likely benign (0 of 4 stars; one submission).

Conditions:
LMAN1-related disorder. Also called: LMAN1-related condition.

Submission:

PreventionGenetics, part of Exact Sciences
Classification: Likely benign for LMAN1-related condition. Last evaluated: 2020-01-06. Review status: no assertion criteria provided. Collection method: clinical testing. Allele origin: germline.
Comment: This variant is classified as likely benign based on ACMG/AMP sequence variant interpretation guidelines (Richards et al. 2015 PMID: 25741868, with internal and published modifications).